The following is an entry in ClinVar:

NM_000276.4(OCRL):c.2308_2310dup (p.Asp770_Cys771insAsp)

Gene: OCRL (OCRL inositol polyphosphate-5-phosphatase; plus strand). Cytogenetic location: Xq26.1.
Variant type: Duplication.
Coding change: c.2308_2310dup on transcript NM_000276.4 (MANE Select); coding-DNA positions 2308 to 2310, 3 bases duplicated (GAT; older notation c.2308_2310dupGAT).
Protein change: p.Asp770_Cys771insAsp.
Genome position (GRCh38, 1-based): chrX:129,588,230-129,588,232, GAT duplicated; duplicating any 3 consecutive bases within chrX:129,588,229-129,588,232 gives the same sequence; the c. name uses the placement nearest the transcript's 3' end. VCF-style (leftmost placement, unchanged base first): chrX-129588228-T-TTGA. GRCh37 (hg19) VCF-style: chrX-128722205-T-TTGA.
Other names: c.2311_2313dup, p.Asp771_Cys772insAsp (NM_001318784.2); c.2284_2286dup, p.Asp762_Cys763insAsp (NM_001587.4).
Identifiers: ClinVar variation 3772102 (VCV003772102.13).

ClinVar aggregate classification (germline): Uncertain significance (1 of 4 stars; one submission).

Submission:

CeGaT Center for Human Genetics Tuebingen
Classification: Uncertain significance. Last evaluated: 2024-12-01. Review status: criteria provided, single submitter. Criteria: CeGaT Center For Human Genetics Tuebingen Variant Classification Criteria Version 2. Collection method: clinical testing. Allele origin: germline. Affected: yes. Observed: 1 variant allele.
Comment: OCRL: PM2, PM4:Supporting